The following is an entry in ClinVar:

ClinVar aggregate classification (germline): Pathogenic (1 of 4 stars; one submission).

Allele frequency attached by ClinVar (database versions not stated): gnomAD exomes 0.00001.

Submission:

Labcorp Genetics (formerly Invitae), Labcorp
Classification: Pathogenic. Last evaluated: 2021-11-03. Review status: criteria provided, single submitter. Criteria: Invitae Variant Classification Sherloc (09022015). Collection method: clinical testing. Allele origin: germline.
Comment: For these reasons, this variant has been classified as Pathogenic. Algorithms developed to predict the effect of sequence changes on RNA splicing suggest that this variant may disrupt the consensus splice site. Disruption of this splice site has been observed in individual(s) with nonsyndromic deafness (Invitae). In at least one individual the data is consistent with the variant being in trans (on the opposite chromosome) from a pathogenic variant. This variant is not present in population databases (gnomAD no frequency). This sequence change affects an acceptor splice site in intron 42 of the OTOG gene. It is expected to disrupt RNA splicing. Variants that disrupt the donor or acceptor splice site typically lead to a loss of protein function (PMID: 16199547), and loss-of-function variants in OTOG are known to be pathogenic (PMID: 23122587).

Literature cited by the submitters: PubMed 16199547; PubMed 23122587.

NM_001292063.2(OTOG):c.7268-2A>T

Gene: OTOG (otogelin; plus strand). Cytogenetic location: 11p15.1.
Variant type: single nucleotide variant.
Coding change: c.7268-2A>T on transcript NM_001292063.2 (MANE Select); the canonical splice acceptor site of the intron before coding-DNA position 7268, A replaced by T.
Molecular consequence: splice acceptor variant.
Genome position (GRCh38, 1-based): chr11:17,634,067, A>T. VCF-style: chr11-17634067-A-T. GRCh37 (hg19) VCF-style: chr11-17655614-A-T.
Other names: c.7304-2A>T (NM_001277269.2).
Identifiers: ClinVar variation 1413462 (VCV001413462.6), dbSNP rs1051452474, ClinGen allele CA379811880.